The following is an entry in ClinVar:

NM_015450.3(POT1):c.905A>G (p.His302Arg)

Gene: POT1 (protection of telomeres 1; minus strand). Cytogenetic location: 7q31.33.
Variant type: single nucleotide variant.
Coding change: c.905A>G on transcript NM_015450.3 (MANE Select); coding-DNA position 905, A replaced by G.
Protein change: p.His302Arg; replaces histidine 302 with arginine.
Molecular consequence: missense variant. On other transcripts: non-coding transcript variant (3).
Genome position (GRCh38, 1-based): chr7:124,851,916, T>C on the plus strand (A>G on the coding strand, the complement: POT1 is on the minus strand). VCF-style: chr7-124851916-T-C. GRCh37 (hg19) VCF-style: chr7-124491970-T-C.
Other names: c.512A>G, p.His171Arg (NM_001042594.2); short protein forms H302R, H171R.
Identifiers: ClinVar variation 2450529 (VCV002450529.2), dbSNP rs2485437104, ClinGen allele CA369054411.

ClinVar aggregate classification (germline): Uncertain significance (1 of 4 stars; one submission).

Conditions:
Hereditary cancer-predisposing syndrome. Also called: Neoplastic Syndromes, Hereditary; Tumor predisposition; Hereditary neoplastic syndrome; Hereditary Cancer Syndrome. Identifiers: Orphanet 140162, MedGen C0027672, MeSH D009386, MONDO:0015356.

Submission:

Ambry Genetics
Classification: Uncertain significance for Hereditary cancer-predisposing syndrome. Last evaluated: 2022-11-03. Review status: criteria provided, single submitter. Criteria: Ambry Variant Classification Scheme 2023. Collection method: clinical testing. Allele origin: germline.
Comment: The p.H302R variant (also known as c.905A>G), located in coding exon 7 of the POT1 gene, results from an A to G substitution at nucleotide position 905. The histidine at codon 302 is replaced by arginine, an amino acid with highly similar properties. This amino acid position is conserved. In addition, this alteration is predicted to be tolerated by in silico analysis. Since supporting evidence is limited at this time, the clinical significance of this alteration remains unclear.